The following is an entry in ClinVar:

NM_000218.3(KCNQ1):c.31G>A (p.Glu11Lys)

Gene: KCNQ1 (potassium voltage-gated channel subfamily Q member 1; plus strand). Cytogenetic location: 11p15.5.
Variant type: single nucleotide variant.
Coding change: c.31G>A on transcript NM_000218.3 (MANE Select); coding-DNA position 31, G replaced by A.
Protein change: p.Glu11Lys; replaces glutamic acid 11 with lysine.
Molecular consequence: missense variant.
Genome position (GRCh38, 1-based): chr11:2,445,129, G>A. VCF-style: chr11-2445129-G-A. GRCh37 (hg19) VCF-style: chr11-2466359-G-A.
Other names: short protein forms E11K.
Identifiers: ClinVar variation 418271 (VCV000418271.14), dbSNP rs959449103, ClinGen allele CA16619303.
Genomic context (GRCh38, chr11:2,445,129, plus strand): 5'-GGGCCGGCCCCCCGGCAGGCCCTCCTCGTTATGGCCGCGGCCTCCTCCCCGCCCAGGGCC[G>A]AGAGGAAGCGCTGGGGTTGGGGCCGCCTGCCAGGCGCCCGGCGGGGCAGCGCGGGCCTGG-3'
Protein context (NP_000209.2, residues 1-21): MAAASSPPRA[Glu11Lys]RKRWGWGRLP

ClinVar aggregate classification (germline): Uncertain significance. Review status: criteria provided, multiple submitters, no conflicts (2 of 4 stars). 4 submissions from 4 submitters: Uncertain significance (4). Last evaluated 2026-08-03.

Conditions:
KCNQ1-related disorder. Also called: KCNQ1-related condition; KCNQ1-related disorders. Identifiers: MedGen CN239322.
Cardiovascular phenotype. Identifiers: MedGen CN230736.
Long QT syndrome (LQTS). Identifiers: MedGen C0023976, MeSH D008133, MONDO:0002442. Disease mechanism: loss of function. Inheritance: Various modes of inheritance.

Allele frequency attached by ClinVar (database versions not stated): TOPMed 0.00002.

Submissions (4):

PreventionGenetics, part of Exact Sciences
Classification: Uncertain significance for KCNQ1-related condition. Last evaluated: 2026-08-03. Review status: criteria provided, single submitter. Criteria: ACMG Guidelines, 2015. Collection method: clinical testing. Allele origin: germline.
Comment: The KCNQ1 c.31G>A variant is predicted to result in the amino acid substitution p.Glu11Lys. To our knowledge, this variant has not been reported in the literature or in a large population database (gnomAD) indicating this variant is rare. At this time, the clinical significance of this variant is uncertain due to the absence of conclusive functional and genetic evidence.

GeneDx
Classification: Uncertain significance. Last evaluated: 2022-06-29. Review status: criteria provided, single submitter. Criteria: GeneDx Variant Classification Process June 2021. Collection method: clinical testing. Allele origin: germline. Affected: yes.
Comment: Has not been previously published as pathogenic or benign to our knowledge; In silico analysis supports that this missense variant does not alter protein structure/function

Labcorp Genetics (formerly Invitae), Labcorp
Classification: Uncertain significance for Long QT syndrome. Last evaluated: 2022-03-14. Review status: criteria provided, single submitter. Criteria: Invitae Variant Classification Sherloc (09022015). Collection method: clinical testing. Allele origin: germline.
Comment: ClinVar contains an entry for this variant (Variation ID: 418271). This variant has not been reported in the literature in individuals affected with KCNQ1-related conditions. The frequency data for this variant in the population databases is considered unreliable, as metrics indicate insufficient coverage at this position in the gnomAD database. This sequence change replaces glutamic acid, which is acidic and polar, with lysine, which is basic and polar, at codon 11 of the KCNQ1 protein (p.Glu11Lys). In summary, the available evidence is currently insufficient to determine the role of this variant in disease. Therefore, it has been classified as a Variant of Uncertain Significance. Algorithms developed to predict the effect of missense changes on protein structure and function are either unavailable or do not agree on the potential impact of this missense change (SIFT: "Deleterious"; PolyPhen-2: "Benign"; Align-GVGD: "Class C0").

Ambry Genetics
Classification: Uncertain significance for Cardiovascular phenotype. Last evaluated: 2019-08-12. Review status: criteria provided, single submitter. Criteria: Ambry Variant Classification Scheme 2023. Collection method: clinical testing. Allele origin: germline.
Comment: The p.E11K variant (also known as c.31G>A), located in coding exon 1 of the KCNQ1 gene, results from a G to A substitution at nucleotide position 31. The glutamic acid at codon 11 is replaced by lysine, an amino acid with similar properties, and is located in the N-terminal region of the protein. This amino acid position is conserved on limited sequence alignment. In addition, the in silico prediction for this alteration is inconclusive. Since supporting evidence is limited at this time, the clinical significance of this alteration remains unclear.